The following is an entry in ClinVar:

ClinVar aggregate classification (germline): Uncertain significance (1 of 4 stars; one submission).

Conditions:
X-linked lymphoproliferative disease due to XIAP deficiency. Also called: XIAP DEFICIENCY; XIAP-Related Lymphoproliferative Disease, X-Linked. Identifiers: Orphanet 2442, Orphanet 538934, MedGen C1845076, MONDO:0010385, OMIM 300635.

Submission:

Labcorp Genetics (formerly Invitae), Labcorp
Classification: Uncertain significance for X-linked lymphoproliferative disease due to XIAP deficiency. Last evaluated: 2023-01-15. Review status: criteria provided, single submitter. Criteria: Invitae Variant Classification Sherloc (09022015). Collection method: clinical testing. Allele origin: germline.
Comment: In summary, the available evidence is currently insufficient to determine the role of this variant in disease. Therefore, it has been classified as a Variant of Uncertain Significance. Advanced modeling of protein sequence and biophysical properties (such as structural, functional, and spatial information, amino acid conservation, physicochemical variation, residue mobility, and thermodynamic stability) performed at Invitae indicates that this missense variant is expected to disrupt XIAP protein function. This variant has not been reported in the literature in individuals affected with XIAP-related conditions. This variant is not present in population databases (gnomAD no frequency). This sequence change replaces histidine, which is basic and polar, with glutamine, which is neutral and polar, at codon 220 of the XIAP protein (p.His220Gln).

NM_001167.4(XIAP):c.660C>G (p.His220Gln)

Gene: XIAP (X-linked inhibitor of apoptosis; plus strand). Cytogenetic location: Xq25.
Variant type: single nucleotide variant.
Coding change: c.660C>G on transcript NM_001167.4 (MANE Select); coding-DNA position 660, C replaced by G.
Protein change: p.His220Gln; replaces histidine 220 with glutamine.
Molecular consequence: missense variant.
Genome position (GRCh38, 1-based): chrX:123,886,322, C>G. VCF-style: chrX-123886322-C-G. GRCh37 (hg19) VCF-style: chrX-123020172-C-G.
Other names: c.660C>G, p.His220Gln (NM_001204401.2, NM_001378590.1, NM_001378591.1 and 1 more transcripts); short protein forms H220Q.
Identifiers: ClinVar variation 2828929 (VCV002828929.3), dbSNP rs2522585946, ClinGen allele CA414124181.